The following is an entry in ClinVar:

ClinVar aggregate classification (germline): Uncertain significance (1 of 4 stars; one submission).

Conditions:
Aortic aneurysm, familial thoracic 7 (AAT7). Also called: AORTIC DISSECTION, FAMILIAL, WITH OR WITHOUT AORTIC ANEURYSM. Identifiers: MedGen C3151077, MONDO:0013418, OMIM 613780.

Allele frequency attached by ClinVar (database versions not stated): gnomAD exomes below 0.00001; ExAC 0.00001; TOPMed 0.00001.
gnomAD v4.1: 1 of 1,613,318 alleles (0.000062%); no homozygotes.

Submission:

Labcorp Genetics (formerly Invitae), Labcorp
Classification: Uncertain significance for Aortic aneurysm, familial thoracic 7. Last evaluated: 2022-05-03. Review status: criteria provided, single submitter. Criteria: Invitae Variant Classification Sherloc (09022015). Collection method: clinical testing. Allele origin: germline.
Comment: This variant is present in population databases (rs766646825, gnomAD no frequency). This sequence change replaces glycine, which is neutral and non-polar, with arginine, which is basic and polar, at codon 178 of the MYLK protein (p.Gly178Arg). This variant has not been reported in the literature in individuals affected with MYLK-related conditions. Advanced modeling of protein sequence and biophysical properties (such as structural, functional, and spatial information, amino acid conservation, physicochemical variation, residue mobility, and thermodynamic stability) performed at Invitae indicates that this missense variant is not expected to disrupt MYLK protein function. In summary, the available evidence is currently insufficient to determine the role of this variant in disease. Therefore, it has been classified as a Variant of Uncertain Significance.

NM_053025.4(MYLK):c.532G>A (p.Gly178Arg)

Gene: MYLK (myosin light chain kinase; minus strand). Cytogenetic location: 3q21.1.
Variant type: single nucleotide variant.
Coding change: c.532G>A on transcript NM_053025.4 (MANE Select); coding-DNA position 532, G replaced by A.
Protein change: p.Gly178Arg; replaces glycine 178 with arginine.
Molecular consequence: missense variant.
Genome position (GRCh38, 1-based): chr3:123,738,953, C>T on the plus strand (G>A on the coding strand, the complement: MYLK is on the minus strand). VCF-style: chr3-123738953-C-T. GRCh37 (hg19) VCF-style: chr3-123457800-C-T.
Other names: c.4G>A, p.Gly2Arg (NM_001321309.2); c.532G>A, p.Gly178Arg (NM_053026.4, NM_053027.4, NM_053028.4); short protein forms G178R, G2R.
Identifiers: ClinVar variation 1906333 (VCV001906333.5), dbSNP rs766646825, ClinGen allele CA073089.